The following is an entry in ClinVar:

NM_001930.4(DHPS):c.912_917del (p.Tyr305_Ile306del)

Gene: DHPS (deoxyhypusine synthase; minus strand). Cytogenetic location: 19p13.13.
Variant type: Deletion.
Coding change: c.912_917del on transcript NM_001930.4 (MANE Select); coding-DNA positions 912 to 917, 6 bases deleted (TTACAT; older notation c.912_917delTTACAT).
Protein change: p.Tyr305_Ile306del.
Molecular consequence: inframe deletion. On other transcripts: non-coding transcript variant (4), intron variant (3).
Genome position (GRCh38, 1-based): chr19:12,676,114-12,676,119, ATGTAA deleted on the plus strand (TTACAT on the coding strand, the reverse complement: DHPS is on the minus strand); deleting any 6 consecutive bases within chr19:12,676,114-12,676,120 gives the same sequence; the c. name uses the placement nearest the transcript's 3' end. VCF-style (leftmost placement, unchanged base first): chr19-12676113-GATGTAA-G. GRCh37 (hg19) VCF-style: chr19-12786927-GATGTAA-G.
Other names: c.786_791del, p.Tyr263_Ile264del (NM_001206974.2); c.363_368del, p.Tyr122_Ile123del (NM_001369693.1); c.785-243_785-238del (NM_001369692.1); c.785-14_785-9del (NM_013406.3); c.889-41_889-36del (NM_001369691.1); c.912_917del6 (NM_001930.3).
Identifiers: ClinVar variation 560195 (VCV000560195.4), dbSNP rs1568317152, ClinGen allele CA913190658.

ClinVar aggregate classification (germline): Likely pathogenic. Review status: criteria provided, multiple submitters, no conflicts (2 of 4 stars). 4 submissions from 4 submitters: Likely pathogenic (2). 2 of the submissions do not count toward it. Last evaluated 2023-09-07.

Conditions:
Neurodevelopmental disorder with seizures and speech and walking impairment. Identifiers: MedGen C5193119, MONDO:0032775, OMIM 618480.
DHPS-related disorder. Also called: DHPS-related condition.

Submissions (4):

PreventionGenetics, part of Exact Sciences
Classification: Likely pathogenic for DHPS-related condition. Last evaluated: 2023-09-07. Review status: criteria provided, single submitter. Criteria: ACMG Guidelines, 2015. Collection method: clinical testing. Allele origin: germline.
Comment: The DHPS c.912_917del6 variant is predicted to result in an in-frame deletion (p.Tyr305_Ile306del). This variant has been reported in the compound heterozygous state with a second putative disease-allele in an individual with neurodevelopmental delay and seizures (Ganapathi et al. 2019. PubMed ID: 30661771). This variant has not been reported in a large population database, indicating this variant is rare in the general population. Functional analysis indicated that this variant strongly reduces DHPS enzyme activity (Ganapathi et al. 2019. PubMed ID: 30661771; Padgett et al. 2023. PubMed ID: 37333770). Taken together, this variant is classified as likely pathogenic.

SIB Swiss Institute of Bioinformatics
Classification: Likely pathogenic for Neurodevelopmental disorder with seizures and speech and walking impairment. Last evaluated: 2019-10-22. Review status: criteria provided, single submitter. Criteria: ACMG Guidelines, 2015. Collection method: curation. Allele origin: unknown.
Comment: This variant is interpreted as Likely pathogenic for Neurodevelopmental disorder with seizures and speech and walking impairment, autosomal recessive. The following ACMG Tag(s) were applied: PM2, PM3, PS3-Moderate.

OMIM
Classification: Pathogenic for NEURODEVELOPMENTAL DISORDER WITH SEIZURES AND SPEECH AND WALKING IMPAIRMENT. Last evaluated: 2019-06-24. Review status: no assertion criteria provided. Collection method: literature only. Allele origin: germline. Not counted in ClinVar's aggregate classification.

GeneDx
Classification: Uncertain significance. Last evaluated: 2018-08-01. Review status: flagged submission. Criteria: GeneDx Variant Classification (06012015). Collection method: clinical testing. Allele origin: germline. Affected: yes. Not counted in ClinVar's aggregate classification.
Comment: The c.912_917delTTACAT variant in the DHPS gene has not been reported previously as a pathogenic variant, nor as a benign variant, to our knowledge. The c.912_917delTTACAT variant causes an in-frame deletion of two amino acids, Tyrosine 305 and Isoleucine 306, denoted p.Tyr305_Ile306del. The Y305 residue is not conserved, and for the I306 residue, amino acids with similar properties to Isoleucine are tolerated across species. In silico analysis is inconsistent in its predictions as to whether or not the variant is damaging to the protein structure/function. The c.912_917delTTACAT variant is not observed in large population cohorts (Lek et al., 2016; 1000 Genomes Consortium et al., 2015; Exome Variant Server). We interpret c.912_917delTTACAT as a variant of uncertain significance.
ClinVar note: Reason: Claim with insufficient supporting evidence

Literature cited by the submitters: PubMed 30661771 (cited by 3 submitters).